The following is an entry in ClinVar:

ClinVar aggregate classification (germline): Uncertain significance (1 of 4 stars; one submission).

Allele frequency attached by ClinVar (database versions not stated): gnomAD exomes below 0.00001; TOPMed below 0.00001.

Submission:

Women's Health and Genetics/Laboratory Corporation of America, LabCorp
Classification: Uncertain significance. Last evaluated: 2023-12-22. Review status: criteria provided, single submitter. Criteria: LabCorp Variant Classification Summary - May 2015. Collection method: clinical testing. Allele origin: germline.
Comment: Variant summary: DGKE c.41A>G (p.Glu14Gly) results in a non-conservative amino acid change in the encoded protein sequence. Four of five in-silico tools predict a benign effect of the variant on protein function. The variant allele was found at a frequency of 4.1e-06 in 245720 control chromosomes. The available data on variant occurrences in the general population are insufficient to allow any conclusion about variant significance. To our knowledge, no occurrence of c.41A>G in individuals affected with Nephrotic Syndrome, Type 7 and no experimental evidence demonstrating its impact on protein function have been reported. No submitters have cited clinical-significance assessments for this variant to ClinVar after 2014. Based on the evidence outlined above, the variant was classified as uncertain significance.

NM_003647.3(DGKE):c.41A>G (p.Glu14Gly)

Gene: DGKE (diacylglycerol kinase epsilon; plus strand). Cytogenetic location: 17q22.
Variant type: single nucleotide variant.
Coding change: c.41A>G on transcript NM_003647.3 (MANE Select); coding-DNA position 41, A replaced by G.
Protein change: p.Glu14Gly; replaces glutamic acid 14 with glycine.
Molecular consequence: missense variant.
Genome position (GRCh38, 1-based): chr17:56,834,836, A>G. VCF-style: chr17-56834836-A-G. GRCh37 (hg19) VCF-style: chr17-54912197-A-G.
Other names: short protein forms E14G.
Identifiers: ClinVar variation 2691387 (VCV002691387.1), dbSNP rs1385761640, ClinGen allele CA399920523.
Genomic context (GRCh38, chr17:56,834,836, plus strand): 5'-AGGTATCGTCCTTGGAGAAGATGGAAGCGGAGAGGCGGCCGGCGCCGGGCTCGCCCTCCG[A>G]GGGCCTGTTTGCGGACGGGCACCTGATCTTGTGGACGCTGTGCTCGGTCCTGCTGCCGGT-3'
Protein context (NP_003638.1, residues 4-24): ERRPAPGSPS[Glu14Gly]GLFADGHLIL